The following is an entry in ClinVar:

ClinVar aggregate classification (germline): Likely benign (1 of 4 stars; one submission).

Allele frequency attached by ClinVar (database versions not stated): ExAC 0.00031; ESP Exome Variant Server 0.00092; TOPMed 0.00111; 1000 Genomes Project 30x 0.00141; 1000 Genomes Project 0.00160.
gnomAD v4.1: 292 of 1,613,802 alleles (0.018%); highest among the groups gnomAD compares: African/African-American, 0.32%; 1 homozygote.

Submission:

CeGaT Center for Human Genetics Tuebingen
Classification: Likely benign. Last evaluated: 2026-03-01. Review status: criteria provided, single submitter. Criteria: CeGaT Center For Human Genetics Tuebingen Variant Classification Criteria Version 2. Collection method: clinical testing. Allele origin: germline. Affected: yes. Observed: 2 variant alleles.
Comment: CIC: BP4, BP7

NM_001386298.1(CIC):c.6069C>G (p.Ala2023=)

Gene: CIC (capicua transcriptional repressor; plus strand). Cytogenetic location: 19q13.2.
Variant type: single nucleotide variant.
Coding change: c.6069C>G on transcript NM_001386298.1 (MANE Select); coding-DNA position 6069, C replaced by G.
Protein change: p.Ala2023=; no amino-acid change (alanine 2023 retained).
Molecular consequence: synonymous variant.
Genome position (GRCh38, 1-based): chr19:42,292,732, C>G. VCF-style: chr19-42292732-C-G. GRCh37 (hg19) VCF-style: chr19-42796884-C-G.
Other names: c.6069C>G, p.Ala2023= (NM_001304815.2, NM_001379480.1, NM_001379482.1 and 1 more transcripts); c.3342C>G, p.Ala1114= (NM_001379484.1, NM_001379485.1, NM_015125.5).
Identifiers: ClinVar variation 2650006 (VCV002650006.24), dbSNP rs146236945, ClinGen allele CA9472601.